The following is an entry in ClinVar:

ClinVar aggregate classification (germline): Uncertain significance. Review status: criteria provided, multiple submitters, no conflicts (2 of 4 stars). 8 submissions from 8 submitters: Uncertain significance (7). 1 of the submissions does not count toward it. Last evaluated 2025-09-17.

Conditions:
MPZ-related disorder. Also called: MPZ-related condition; MPZ-related disorders.
Charcot-Marie-Tooth disease, type I (CMT1). Also called: Charcot-Marie-Tooth, Type 1; Charcot-Marie-Tooth disease type 1. Identifiers: Orphanet 65753, MedGen C0751036, MONDO:0019011.
Charcot-Marie-Tooth disease type 2I (CMT2I). Also called: CHARCOT-MARIE-TOOTH DISEASE, AXONAL, TYPE 2I. Identifiers: Orphanet 99942, MedGen C3888087, MONDO:0011889, OMIM 607677.
Charcot-Marie-Tooth disease dominant intermediate D. Also called: Charcot-Marie-Tooth disease dominant intermediate 3; CMT DI3; CHARCOT-MARIE-TOOTH NEUROPATHY, DOMINANT INTERMEDIATE D. Identifiers: Orphanet 100046, MedGen C1843075, MONDO:0011909, OMIM 607791.
Charcot-Marie-Tooth disease. Also called: Charcot-Marie-Tooth Hereditary Neuropathy; Charcot-Marie-Tooth Neuropathy. Identifiers: Orphanet 166, MedGen C0007959, MONDO:0015626.

Allele frequency attached by ClinVar (database versions not stated): gnomAD exomes below 0.00001 and 0.00001; TOPMed 0.00001.
gnomAD v4.1: 10 of 1,583,410 alleles (0.00063%); highest among the groups gnomAD compares: Non-Finnish European, 0.00086%; no homozygotes.

Submissions (8):

PreventionGenetics, part of Exact Sciences
Classification: Uncertain significance for MPZ-related condition. Last evaluated: 2025-09-17. Review status: criteria provided, single submitter. Criteria: ACMG Guidelines, 2015. Collection method: clinical testing. Allele origin: germline.
Comment: The MPZ c.59C>T variant is predicted to result in the amino acid substitution p.Ser20Phe. This variant was reported in the heterozygous state in an individual with features of late-onset Charcot-Marie-Tooth disease (Finsterer et al. 2006. PubMed ID: 16987171). This variant was also reported to be maternally-inherited in a patient with features of a congenital myopathy and a de novo DNM2 variant (Marinakis et al. 2021. PubMed ID: 34008892). An alternate missense change at the same amino acid position (p.Ser20Pro) has also been reported in an individual with features of a MPZ-related disorder (Milley et al. 2018. PubMed ID: 29174527). This variant is reported in 0.0011% of alleles in individuals of European (non-Finnish) descent in gnomAD. At this time, the clinical significance of this variant is uncertain due to the absence of conclusive functional and genetic evidence.

3billion
Classification: Uncertain significance for MPZ-related disorder. Last evaluated: 2024-11-27. Review status: criteria provided, single submitter. Criteria: ACMG Guidelines, 2015. Collection method: clinical testing. Allele origin: germline. Affected: yes.
Comment: The variant is observed at an extremely low frequency in the gnomAD v4.1.0 dataset (total allele frequency: <0.001%). Predicted Consequence/Location: Missense variant In silico tool predictions suggest damaging effect of the variant on gene or gene product [REVEL: 0.60 (>=0.6, sensitivity 0.68 and specificity 0.92)]. The same nucleotide change resulting in the same amino acid change has been previously reported to be associated with MPZ related disorder (PMID: 16987171).A different missense change at the same codon (p.Ser20Pro) has been reported to be associated with MPZ related disorder (PMID: 29174527). However the evidence of pathogenicity is insufficient at this time. Therefore, this variant is classified as VUS according to the recommendation of ACMG/AMP guideline.

CeGaT Center for Human Genetics Tuebingen
Classification: Uncertain significance. Last evaluated: 2024-11-01. Review status: criteria provided, single submitter. Criteria: CeGaT Center For Human Genetics Tuebingen Variant Classification Criteria Version 2. Collection method: clinical testing. Allele origin: germline. Affected: yes. Observed: 1 variant allele.
Comment: MPZ: PM2, PM5

Labcorp Genetics (formerly Invitae), Labcorp
Classification: Uncertain significance for Charcot-Marie-Tooth disease, type I. Last evaluated: 2024-10-22. Review status: criteria provided, single submitter. Criteria: Invitae Variant Classification Sherloc (09022015). Collection method: clinical testing. Allele origin: germline.
Comment: This sequence change replaces serine, which is neutral and polar, with phenylalanine, which is neutral and non-polar, at codon 20 of the MPZ protein (p.Ser20Phe). This variant is present in population databases (no rsID available, gnomAD 0.001%). This missense change has been observed in individual(s) with Charcot-Marie-Tooth disease (PMID: 16987171, 34008892). ClinVar contains an entry for this variant (Variation ID: 637322). Invitae Evidence Modeling of protein sequence and biophysical properties (such as structural, functional, and spatial information, amino acid conservation, physicochemical variation, residue mobility, and thermodynamic stability) indicates that this missense variant is not expected to disrupt MPZ protein function with a negative predictive value of 80%. In summary, the available evidence is currently insufficient to determine the role of this variant in disease. Therefore, it has been classified as a Variant of Uncertain Significance.

Institute of Medical Genetics and Applied Genomics, University Hospital Tübingen
Classification: Uncertain significance for Charcot-Marie-Tooth disease dominant intermediate D. Last evaluated: 2023-11-30. Review status: criteria provided, single submitter. Criteria: ACMG Guidelines, 2015. Collection method: clinical testing. Allele origin: germline. Inheritance: Autosomal dominant inheritance. Affected: yes.

Laboratory of Medical Genetics, National & Kapodistrian University of Athens
Classification: Uncertain significance for Charcot-Marie-Tooth disease dominant intermediate D. Last evaluated: 2021-10-06. Review status: criteria provided, single submitter. Criteria: ACMG Guidelines, 2015. Collection method: clinical testing. Allele origin: unknown.
Comment: PM2, PP2, PP3

MGZ Medical Genetics Center
Classification: Uncertain significance for Charcot-Marie-Tooth disease type 2I. Last evaluated: 2021-09-23. Review status: criteria provided, single submitter. Criteria: ACMG Guidelines, 2015. Collection method: clinical testing. Allele origin: germline. Affected: yes. Observed: 1 variant allele.
Comment: ACMG criteria applied: PM5, PM2_SUP, PP2, PP3

Inherited Neuropathy Consortium
Classification: Uncertain significance for Charcot-Marie-Tooth disease. Review status: no assertion criteria provided. Collection method: literature only. Allele origin: germline. Affected: yes. Not counted in ClinVar's aggregate classification.

Literature cited by the submitters: PubMed 29174527 (cited by 3billion); PubMed 16987171 (cited by 3 submitters); PubMed 34008892 (cited by Labcorp Genetics (formerly Invitae), Labcorp and Laboratory of Medical Genetics, National & Kapodistrian University of Athens).

NM_000530.8(MPZ):c.59C>T (p.Ser20Phe)

Genes: MPZ (myelin protein zero; minus strand), SDHC (succinate dehydrogenase complex subunit C; plus strand). Cytogenetic location: 1q23.3.
Variant type: single nucleotide variant.
Coding change: c.59C>T on transcript NM_000530.8 (MANE Select); coding-DNA position 59, C replaced by T.
Protein change: p.Ser20Phe; replaces serine 20 with phenylalanine.
Molecular consequence: missense variant.
Genome position (GRCh38, 1-based): chr1:161,309,847, G>A on the plus strand (C>T on the coding strand, the complement: MPZ is on the minus strand). VCF-style: chr1-161309847-G-A. GRCh37 (hg19) VCF-style: chr1-161279637-G-A.
Other names: c.59C>T (NM_000530.7, LRG_256t1); c.59C>T, p.Ser20Phe (NM_001315491.2); short protein forms S20F.
Identifiers: ClinVar variation 637322 (VCV000637322.24), dbSNP rs932826788, ClinGen allele CA31671585.
Genomic context (GRCh38, chr1:161,309,847, plus strand): 5'-GCTGAGAGACACCTGAGTCCCAAGACTCCCAGAGTAGAGTGGCTCCACTTACCCAAAGAA[G>A]AGAAGAGCAGCACAGCCAGGATAGGGCTGGGGCTGGATGAGGGAGCCCCAGGAGCCATAG-3'
Protein context (NP_000521.2, residues 10-30): PSPILAVLLF[Ser20Phe]SLVLSPAQAI